The following is an entry in ClinVar:

NM_001267550.2(TTN):c.102956_102958del (p.Thr34319del)

Genes: TTN-AS1 (TTN antisense RNA 1; plus strand), TTN (titin; minus strand). Cytogenetic location: 2q31.2.
Variant type: Deletion.
Coding change: c.102956_102958del on transcript NM_001267550.2 (MANE Select); coding-DNA positions 102956 to 102958, 3 bases deleted (CAA; older notation c.102956_102958delCAA).
Protein change: p.Thr34319del; deletes threonine 34319.
Molecular consequence: inframe deletion.
Genome position (GRCh38, 1-based): chr2:178,533,657-178,533,659, TTG deleted on the plus strand (CAA on the coding strand, the reverse complement: TTN is on the minus strand); deleting any 3 consecutive bases within chr2:178,533,657-178,533,661 gives the same sequence; the c. name uses the placement nearest the transcript's 3' end. VCF-style (leftmost placement, unchanged base first): chr2-178533656-ATTG-A. GRCh37 (hg19) VCF-style: chr2-179398383-ATTG-A.
Other names: c.102956_102958del (LRG_391t1); c.95252_95254delCAA (NM_133378.4); c.98033_98035del, p.Thr32678del (NM_001256850.1); c.75761_75763del, p.Thr25254del (NM_003319.4); c.95252_95254del, p.Thr31751del (NM_133378.4); c.76136_76138del, p.Thr25379del (NM_133432.3); c.76337_76339del, p.Thr25446del (NM_133437.4); short protein forms T34319del, T25379del, T31751del, T25254del, T32678del, T25446del.
Identifiers: ClinVar variation 242429 (VCV000242429.11), dbSNP rs878854378, ClinGen allele CA16616825.
Genomic context (GRCh38, chr2:178,533,656, plus strand): 5'-CCATATTTGTTCCTTGCCACAACAGTATATTCAGCGTCATCATCTGTAGTGACACTGTTG[ATTG>A]TTAATTGGTAAAGACCCTTGTCTGACTCAAATGTGTACTTCTTGTCATTGTCACCTGGTT-3'

ClinVar aggregate classification (germline): Conflicting classifications of pathogenicity. Review status: criteria provided, conflicting classifications (1 of 4 stars). 2 submissions from 2 submitters: Likely pathogenic (1); Uncertain significance (1). Last evaluated 2025-04-23.

Conditions:
Dilated cardiomyopathy 1G (CMD1G). Identifiers: Orphanet 154, MedGen C1858763, MONDO:0011400, OMIM 604145.
Autosomal recessive limb-girdle muscular dystrophy type 2J (LGMDR10). Also called: Limb-girdle muscular dystrophy, type 2J; MUSCULAR DYSTROPHY, LIMB-GIRDLE, AUTOSOMAL RECESSIVE 10. Identifiers: Orphanet 140922, MedGen C1837342, MONDO:0012127, OMIM 608807.

Submissions (2):

Labcorp Genetics (formerly Invitae), Labcorp
Classification: Uncertain significance for Dilated cardiomyopathy 1G; Autosomal recessive limb-girdle muscular dystrophy type 2J. Last evaluated: 2025-04-23. Review status: criteria provided, single submitter. Criteria: Invitae Variant Classification Sherloc (09022015). Collection method: clinical testing. Allele origin: germline.
Comment: This variant, c.102956_102958del, results in the deletion of 1 amino acid(s) of the TTN protein (p.Thr34319del), but otherwise preserves the integrity of the reading frame. This variant is not present in population databases (gnomAD no frequency). This variant has been observed in individual(s) with limb-girdle muscular dystrophy (PMID: 27854218). ClinVar contains an entry for this variant (Variation ID: 242429). Experimental studies and prediction algorithms are not available or were not evaluated, and the functional significance of this variant is currently unknown. This variant is located in the M band of TTN (PMID: 25589632). Non-truncating variants in this region may be relevant for neuromuscular disorders, but have not been definitively shown to cause cardiomyopathy (PMID: 23975875). In summary, the available evidence is currently insufficient to determine the role of this variant in disease. Therefore, it has been classified as a Variant of Uncertain Significance.

Undiagnosed Diseases Network, NIH
Classification: Likely pathogenic for Autosomal recessive limb-girdle muscular dystrophy type 2J. Last evaluated: 2018-12-05. Review status: criteria provided, single submitter. Criteria: ACMG Guidelines, 2015. Collection method: clinical testing. Allele origin: paternal. Inheritance: Autosomal recessive inheritance. Affected: yes. Observed: 1 variant allele, 1 compound heterozygote.
Comment: A heterozygous c.95252_95254delCAA (p.T31751del) likely pathogenic variant in the TTN gene was also detected. A heterozygous c.74698A>C (p.K24900Q) variant was also detected and found to be likely benign. The c.55018C>T (p.R18340X) variant is in trans configuration with the c.95252_95254delCAA (p.T31751del) and c.74698A>C (p.K24900Q) variants.

Literature cited by the submitters: PubMed 27854218 (cited by Labcorp Genetics (formerly Invitae), Labcorp); PubMed 25589632 (cited by Labcorp Genetics (formerly Invitae), Labcorp); PubMed 23975875 (cited by Labcorp Genetics (formerly Invitae), Labcorp).